The following is an entry in ClinVar:

ClinVar aggregate classification (germline): Uncertain significance. Review status: criteria provided, multiple submitters, no conflicts (2 of 4 stars). 2 submissions from 2 submitters: Uncertain significance (2). Last evaluated 2026-03-24.

Conditions:
Autosomal recessive spinocerebellar ataxia 12. Also called: SPINOCEREBELLAR ATAXIA WITH MENTAL RETARDATION AND EPILEPSY. Identifiers: Orphanet 284282, MedGen C3280452, MONDO:0013687, OMIM 614322.
Developmental and epileptic encephalopathy, 1 (DEE1). Also called: X-linked infantile spasms; West's syndrome; Tonic spasms with clustering, arrest of psychomotor development and hypsarrhythmia on EEG; X-Linked Infantile Spasm Syndrome; OHTAHARA SYNDROME, X-LINKED; Epileptic encephalopathy, early infantile, 1. Identifiers: MedGen C3463992, MONDO:0010632, OMIM 308350. Disease mechanism: loss of function.

gnomAD v4.1: 22 of 1,614,088 alleles (0.0014%); highest among the groups gnomAD compares: Non-Finnish European, 0.0018%; no homozygotes.

Submissions (2):

Women's Health and Genetics/Laboratory Corporation of America, LabCorp
Classification: Uncertain significance. Last evaluated: 2026-03-24. Review status: criteria provided, single submitter. Criteria: LabCorp Variant Classification Summary - May 2015. Collection method: clinical testing. Allele origin: germline.
Comment: Variant summary: WWOX c.301C>T (p.Pro101Ser) results in a non-conservative amino acid change in the encoded protein sequence. Algorithms developed to predict the effect of missense changes on protein structure and function are either unavailable or do not agree on the potential impact of this missense change. The variant allele was found at a frequency of 4e-06 in 249576 control chromosomes. The available data on variant occurrences in the general population are insufficient to allow any conclusion about variant significance. To our knowledge, no occurrence of c.301C>T in individuals affected with WWOX-related conditions and no experimental evidence demonstrating its impact on protein function have been reported. ClinVar contains an entry for this variant (Variation ID: 852839). Based on the evidence outlined above, the variant was classified as uncertain significance.

Labcorp Genetics (formerly Invitae), Labcorp
Classification: Uncertain significance for Developmental and epileptic encephalopathy, 1; Autosomal recessive spinocerebellar ataxia 12. Last evaluated: 2021-09-01. Review status: criteria provided, single submitter. Criteria: Invitae Variant Classification Sherloc (09022015). Collection method: clinical testing. Allele origin: germline.

NM_016373.4(WWOX):c.301C>T (p.Pro101Ser)

Gene: WWOX (WW domain containing oxidoreductase; plus strand). Cytogenetic location: 16q23.1.
Variant type: single nucleotide variant.
Coding change: c.301C>T on transcript NM_016373.4 (MANE Select); coding-DNA position 301, C replaced by T.
Protein change: p.Pro101Ser; replaces proline 101 with serine.
Molecular consequence: missense variant. On other transcripts: 5 prime UTR variant (1), non-coding transcript variant (1).
Genome position (GRCh38, 1-based): chr16:78,115,046, C>T. VCF-style: chr16-78115046-C-T. GRCh37 (hg19) VCF-style: chr16-78148943-C-T.
Other names: c.-39C>T (NM_001291997.2); c.301C>T, p.Pro101Ser (NM_130791.5); short protein forms P101S.
Identifiers: ClinVar variation 852839 (VCV000852839.6), dbSNP rs574637594, ClinGen allele CA396842426.